The following is an entry in ClinVar:

ClinVar aggregate classification (germline): Uncertain significance (1 of 4 stars; one submission).

Conditions:
Familial cold autoinflammatory syndrome 2 (FCAS2). Identifiers: Orphanet 247868, MedGen C2673198, MONDO:0012724, OMIM 611762.

Submission:

Labcorp Genetics (formerly Invitae), Labcorp
Classification: Uncertain significance for Familial cold autoinflammatory syndrome 2. Last evaluated: 2024-01-11. Review status: criteria provided, single submitter. Criteria: Invitae Variant Classification Sherloc (09022015). Collection method: clinical testing. Allele origin: germline.
Comment: This variant is a gross deletion of the genomic region encompassing exon(s) 5 of the NLRP12 gene. This variant would be expected to be in-frame, preserving the integrity of the reading frame. This variant has not been reported in the literature in individuals affected with NLRP12-related conditions. Experimental studies and prediction algorithms are not available or were not evaluated, and the functional significance of this variant is currently unknown. In summary, the available evidence is currently insufficient to determine the role of this variant in disease. Therefore, it has been classified as a Variant of Uncertain Significance.

NC_000019.10:g.(?_53805260)_(53805470_?)del

Gene: NLRP12 (NLR family pyrin domain containing 12; minus strand). Cytogenetic location: 19q13.42.
Variant type: Deletion.
Identifiers: ClinVar variation 584195 (VCV000584195.9).